The following is an entry in ClinVar:

ClinVar aggregate classification (germline): Likely benign. Review status: criteria provided, multiple submitters, no conflicts (2 of 4 stars). 3 submissions from 3 submitters: Likely benign (2). 1 of the submissions does not count toward it. Last evaluated 2024-11-01.

Conditions:
PUF60-related disorder. Also called: PUF60-related condition.

Allele frequency attached by ClinVar (database versions not stated): ExAC 0.00005; gnomAD 0.00010; TOPMed 0.00018.
gnomAD v4.1: 102 of 1,608,624 alleles (0.0063%); highest among the groups gnomAD compares: Admixed American, 0.03%; 1 homozygote.

Submissions (3):

CeGaT Center for Human Genetics Tuebingen
Classification: Likely benign. Last evaluated: 2024-11-01. Review status: criteria provided, single submitter. Criteria: CeGaT Center For Human Genetics Tuebingen Variant Classification Criteria Version 2. Collection method: clinical testing. Allele origin: germline. Affected: yes. Observed: 1 variant allele.
Comment: PUF60: BP4, BS2

Blueprint Genetics
Classification: Likely benign. Last evaluated: 2021-09-24. Review status: criteria provided, single submitter. Criteria: ACMG Guidelines, 2015. Collection method: clinical testing. Allele origin: germline.

PreventionGenetics, part of Exact Sciences
Classification: Likely benign for PUF60-related condition. Last evaluated: 2019-05-04. Review status: no assertion criteria provided. Collection method: clinical testing. Allele origin: germline. Not counted in ClinVar's aggregate classification.
Comment: This variant is classified as likely benign based on ACMG/AMP sequence variant interpretation guidelines (Richards et al. 2015 PMID: 25741868, with internal and published modifications).

NM_078480.3(PUF60):c.818-8G>A

Gene: PUF60 (poly(U) binding splicing factor 60; minus strand). Cytogenetic location: 8q24.3.
Variant type: single nucleotide variant.
Coding change: c.818-8G>A on transcript NM_078480.3 (MANE Select); 8 bases into the intron before coding-DNA position 818, G replaced by A.
Molecular consequence: intron variant.
Genome position (GRCh38, 1-based): chr8:143,817,790, C>T on the plus strand (G>A on the coding strand, the complement: PUF60 is on the minus strand). VCF-style: chr8-143817790-C-T. GRCh37 (hg19) VCF-style: chr8-144899960-C-T.
Other names: c.680-8G>A (NM_001271097.2); c.731-8G>A (NM_001271099.2); c.764-8G>A (NM_001271096.2); c.815-8G>A (NM_001271098.2); c.767-8G>A (NM_014281.5); c.638-8G>A (NM_001271100.2); c.689-8G>A (NM_001136033.3); c.878-8G>A (NM_001362897.2); and 1 more.
Identifiers: ClinVar variation 3058777 (VCV003058777.17), dbSNP rs112143750, ClinGen allele CA187616280.
Genomic context (GRCh38, chr8:143,817,790, plus strand): 5'-AAAGAGGTTCATGGAAGACACAGCATCTTGGGACGACTGGGCCTTCTCGTACTCTGTGGG[C>T]AGGAGCAGCAGTGAGCAGGGCCAGCCCCAGCCTCAGGTGGCCCCCATCCCGCCTCAGCCA-3'